The following is an entry in ClinVar:

ClinVar aggregate classification (germline): Uncertain significance (1 of 4 stars; one submission).

Conditions:
Epileptic encephalopathy. Identifiers: MedGen C0543888, HP:0200134.

Submission:

Labcorp Genetics (formerly Invitae), Labcorp
Classification: Uncertain significance for Epileptic encephalopathy. Last evaluated: 2020-08-30. Review status: criteria provided, single submitter. Criteria: Invitae Variant Classification Sherloc (09022015). Collection method: clinical testing. Allele origin: germline.
Comment: In summary, the available evidence is currently insufficient to determine the role of this variant in disease. Therefore, it has been classified as a Variant of Uncertain Significance. Algorithms developed to predict the effect of missense changes on protein structure and function are either unavailable or do not agree on the potential impact of this missense change (SIFT: "Deleterious"; PolyPhen-2: "Probably Damaging"; Align-GVGD: "Class C15"). This variant has not been reported in the literature in individuals with FASN-related conditions. This variant is not present in population databases (ExAC no frequency). This sequence change replaces serine with phenylalanine at codon 497 of the FASN protein (p.Ser497Phe). The serine residue is highly conserved and there is a large physicochemical difference between serine and phenylalanine.

NM_004104.5(FASN):c.1490C>T (p.Ser497Phe)

Gene: FASN (fatty acid synthase; minus strand). Cytogenetic location: 17q25.3.
Variant type: single nucleotide variant.
Coding change: c.1490C>T on transcript NM_004104.5 (MANE Select); coding-DNA position 1490, C replaced by T.
Protein change: p.Ser497Phe; replaces serine 497 with phenylalanine.
Molecular consequence: missense variant.
Genome position (GRCh38, 1-based): chr17:82,091,224, G>A on the plus strand (C>T on the coding strand, the complement: FASN is on the minus strand). VCF-style: chr17-82091224-G-A. GRCh37 (hg19) VCF-style: chr17-80049100-G-A.
Other names: short protein forms S497F.
Identifiers: ClinVar variation 1042472 (VCV001042472.8), dbSNP rs2034200047, ClinGen allele CA401560348.